The following is an entry in ClinVar:

ClinVar aggregate classification (germline): Benign. Review status: criteria provided, multiple submitters, no conflicts (2 of 4 stars). 2 submissions from 2 submitters: Benign (2). Last evaluated 2018-01-12.

Conditions:
Hydatidiform mole, recurrent, 1 (HYDM1). Identifiers: Orphanet 254688, Orphanet 99927, MedGen C3463897, MONDO:0009273, OMIM 231090. Disease mechanism: loss of function.

Allele frequency attached by ClinVar (database versions not stated): gnomAD exomes 0.00390 and 0.00945; ExAC 0.01125; 1000 Genomes Project 0.03315; gnomAD 0.03325 and 0.03542; ESP Exome Variant Server 0.03491; 1000 Genomes Project 30x 0.03638; TOPMed 0.03814.
gnomAD v4.1: 11,086 of 1,609,746 alleles (0.69%); highest among the groups gnomAD compares: African/African-American, 11%; 490 homozygotes.

Submissions (8):

Illumina Laboratory Services, Illumina
Classification: Benign for Hydatidiform mole, recurrent, 1. Last evaluated: 2018-01-12. Review status: criteria provided, single submitter. Criteria: ICSL Variant Classification Criteria 13 December 2019. Collection method: clinical testing. Allele origin: germline.
Comment: This variant was observed in the ICSL laboratory as part of a predisposition screen in an ostensibly healthy population. It had not been previously curated by ICSL or reported in the Human Gene Mutation Database (HGMD: prior to June 1st, 2018), and was therefore a candidate for classification through an automated scoring system. Utilizing variant allele frequency, disease prevalence and penetrance estimates, and inheritance mode, an automated score was calculated to assess if this variant is too frequent to cause the disease. Based on the score and internal cut-off values, a variant classified as benign is not then subjected to further curation. The score for this variant resulted in a classification of benign for this disease.

Breakthrough Genomics
Classification: Benign. Review status: criteria provided, single submitter. Criteria: ACMG Guidelines, 2015. Collection method: not provided. Allele origin: germline. Inheritance: Autosomal recessive inheritance. Affected: yes.

Dr. Peter K. Rogan Lab, Western University
No classification provided (evidence only). Condition: Lung cancer. Review status: no classification provided. Collection method: in vitro. Allele origin: not applicable. Functional consequence: retained intron. Not counted in ClinVar's aggregate classification.

Dr. Peter K. Rogan Lab, Western University
No classification provided (evidence only). Condition: Squamous cell carcinoma of the head and neck. Review status: no classification provided. Collection method: in vitro. Allele origin: not applicable. Functional consequence: retained intron. Not counted in ClinVar's aggregate classification.

Dr. Peter K. Rogan Lab, Western University
No classification provided (evidence only). Condition: Cervical cancer. Review status: no classification provided. Collection method: in vitro. Allele origin: not applicable. Functional consequence: retained intron. Not counted in ClinVar's aggregate classification.

Dr. Peter K. Rogan Lab, Western University
No classification provided (evidence only). Condition: Cervical cancer. Review status: no classification provided. Collection method: in vitro. Allele origin: not applicable. Functional consequence: retained intron. Not counted in ClinVar's aggregate classification.

Dr. Peter K. Rogan Lab, Western University
No classification provided (evidence only). Condition: Uterine carcinosarcoma. Review status: no classification provided. Collection method: in vitro. Allele origin: not applicable. Functional consequence: retained intron. Not counted in ClinVar's aggregate classification.

Dr. Peter K. Rogan Lab, Western University
No classification provided (evidence only). Condition: Malignant tumor of esophagus. Review status: no classification provided. Collection method: in vitro. Allele origin: not applicable. Functional consequence: retained intron. Not counted in ClinVar's aggregate classification.

NM_001127255.2(NLRP7):c.2129+6T>C

Genes: NCR1 (natural cytotoxicity triggering receptor 1), NLRP7 (NLR family pyrin domain containing 7; minus strand). Cytogenetic location: 19q13.42.
Variant type: single nucleotide variant.
Coding change: c.2129+6T>C on transcript NM_001127255.2 (MANE Select); 6 bases into the intron after coding-DNA position 2129, T replaced by C.
Molecular consequence: intron variant.
Genome position (GRCh38, 1-based): chr19:54,938,038, A>G on the plus strand (T>C on the coding strand, the complement: NLRP7 is on the minus strand). VCF-style: chr19-54938038-A-G. GRCh37 (hg19) VCF-style: chr19-55449406-A-G.
Other names: NC_000019.9:g.55449406A>G; c.2129+6T>C (NM_001405531.1, NM_206828.4); c.2045+6T>C (NM_139176.4).
Identifiers: ClinVar variation 330163 (VCV000330163.9), dbSNP rs77313457, ClinGen allele CA310015812.